The following is an entry in ClinVar:

NM_000090.4(COL3A1):c.1714C>T (p.Arg572Ter)

Gene: COL3A1 (collagen type III alpha 1 chain; plus strand). Cytogenetic location: 2q32.2.
Variant type: single nucleotide variant.
Coding change: c.1714C>T on transcript NM_000090.4 (MANE Select); coding-DNA position 1714, C replaced by T.
Protein change: p.Arg572Ter; replaces arginine 572 with a stop codon.
Molecular consequence: nonsense.
Genome position (GRCh38, 1-based): chr2:188,996,449, C>T. VCF-style: chr2-188996449-C-T. GRCh37 (hg19) VCF-style: chr2-189861175-C-T.
Other names: p.Arg572*; short protein forms R572*.
Identifiers: ClinVar variation 2418894 (VCV002418894.14), dbSNP rs572097661, ClinGen allele CA074584.
Genomic context (GRCh38, chr2:188,996,449, plus strand): 5'-TCTTATTAGGGAAGTCAAGGAGAAAGTGGTCGACCAGGTCCTCCTGGGCCATCTGGTCCC[C>T]GAGGTCAGCCTGGTGTCATGGGCTTCCCCGGTCCTAAAGGAAATGATGTGAGTTCCTTCA-3'

ClinVar aggregate classification (germline): Pathogenic/Likely pathogenic. Review status: criteria provided, multiple submitters, no conflicts (2 of 4 stars). 6 submissions from 6 submitters: Pathogenic (5); Likely pathogenic (1). Last evaluated 2026-03-05.

Conditions:
Ehlers-Danlos syndrome, type 4 (EDSVASC). Also called: Ehlers-Danlos syndrome vascular type; Ehlers Danlos syndrome, ecchymotic type; Ehlers Danlos syndrome, arterial type; Ehlers Danlos syndrome, Sack-Barabas type; Ehlers-Danlos Syndrome Type IV. Identifiers: Orphanet 286, MedGen C0268338, MONDO:0017314, OMIM 130050.
Polymicrogyria with or without vascular-type Ehlers-Danlos syndrome. Identifiers: Orphanet 636941, MedGen C5193040, MONDO:0032688, OMIM 618343.
Ehlers-Danlos syndrome (EDS). Identifiers: Orphanet 98249, MedGen C0013720, MONDO:0020066.
Familial thoracic aortic aneurysm and aortic dissection (TAAD). Also called: Thoracic aortic aneurysms and dissections. Identifiers: Orphanet 91387, MedGen C4707243, MONDO:0019625.

Allele frequency attached by ClinVar (database versions not stated): gnomAD exomes below 0.00001; ExAC 0.00001; gnomAD 0.00001; 1000 Genomes Project 0.00020; 1000 Genomes Project 30x 0.00031.

Submissions (6):

GeneDx
Classification: Pathogenic. Last evaluated: 2026-03-05. Review status: criteria provided, single submitter. Criteria: GeneDx Variant Classification Process June 2021. Collection method: clinical testing. Allele origin: germline.
Comment: Nonsense variant predicted to result in protein truncation or nonsense mediated decay in a gene for which loss of function is a known mechanism of disease; Not observed at significant frequency in large population cohorts (gnomAD); This variant is associated with the following publications: (PMID: 33087929, 30474650, 31141158)

Labcorp Genetics (formerly Invitae), Labcorp
Classification: Pathogenic for Ehlers-Danlos syndrome, type 4. Last evaluated: 2025-12-08. Review status: criteria provided, single submitter. Criteria: Invitae Variant Classification Sherloc (09022015). Collection method: clinical testing. Allele origin: germline.
Comment: This sequence change creates a premature translational stop signal (p.Arg572*) in the COL3A1 gene. It is expected to result in an absent or disrupted protein product. Loss-of-function variants in COL3A1 are known to be pathogenic (PMID: 24922459). This variant is present in population databases (rs572097661, gnomAD 0.003%). This premature translational stop signal has been observed in individual(s) with vascular Ehlers-Danlos syndrome (PMID: 30474650, 31141158). ClinVar contains an entry for this variant (Variation ID: 2418894). For these reasons, this variant has been classified as Pathogenic.

Women's Health and Genetics/Laboratory Corporation of America, LabCorp
Classification: Pathogenic for Polymicrogyria with or without vascular-type Ehlers-Danlos syndrome. Last evaluated: 2025-11-17. Review status: criteria provided, single submitter. Criteria: LabCorp Variant Classification Summary - May 2015. Collection method: clinical testing. Allele origin: germline.
Comment: Variant summary: COL3A1 c.1714C>T (p.Arg572X) results in a premature termination codon, predicted to cause a truncation of the encoded protein or absence of the protein due to nonsense mediated decay, which are commonly known mechanisms for disease. The variant was absent in 251328 control chromosomes (gnomAD). c.1714C>T has been observed in individuals affected with vascular EhlersDanlos syndrome (Legrand_2019, Angwin_2020). These data indicate that the variant may be associated with disease. To our knowledge, no experimental evidence demonstrating an impact on protein function has been reported. The following publications have been ascertained in the context of this evaluation (PMID: 31141158, 30474650). ClinVar contains an entry for this variant (Variation ID: 2418894). Based on the evidence outlined above, the variant was classified as pathogenic for autosomal dominant Ehlers-Danlos syndrome, vascular type and autosomal recessive Polymicrogyria with or without vascular-type Ehlers-Danlos syndrome.

Mayo Clinic Laboratories, Mayo Clinic
Classification: Pathogenic. Last evaluated: 2023-12-21. Review status: criteria provided, single submitter. Criteria: ACMG Guidelines, 2015. Collection method: clinical testing. Allele origin: germline. Observed: 1 variant allele.
Comment: PM2, PM6, PS4_moderate, PVS1

Color Diagnostics, LLC DBA Color Health
Classification: Pathogenic for Familial thoracic aortic aneurysm and aortic dissection. Last evaluated: 2023-05-31. Review status: criteria provided, single submitter. Criteria: ACMG Guidelines, 2015. Collection method: clinical testing. Allele origin: germline.
Comment: This variant changes 1 nucleotide in exon 24 of the COL3A1 gene, creating a premature translation stop signal. This variant is expected to result in an absent or non-functional protein product. This variant has been reported in individuals affected with vascular Ehlers-Danlos syndrome (PMID: 30474650, 31141158, 36977837). This variant has not been identified in the general population by the Genome Aggregation Database (gnomAD). Loss of COL3A1 function is a known mechanism of disease. Based on the available evidence, this variant is classified as Pathogenic.

Laboratory for Molecular Medicine, Mass General Brigham Personalized Medicine
Classification: Likely pathogenic for Ehlers-Danlos syndrome. Last evaluated: 2019-10-11. Review status: criteria provided, single submitter. Criteria: ACMG Guidelines, 2015. Collection method: clinical testing. Allele origin: germline.
Comment: Disclaimer: This variant has not undergone full assessment. The following are preliminary notes: The p.Arg572X variant in COL3A1 has not been previously reported in individuals with Ehlers-Danlos syndrome (EDS) and was absent from large population studies. This nonsense variant leads to a premature termination codon at position 572, which is predicted to lead to a truncated or absent protein. Heterozygous loss of function of the COL3A1 gene is an established disease mechanism in Ehlers-Danlos syndrome and is associated with late-onset, reduced penetrance, and possibly a milder clinical course (Leistritz 2011, Frank 2015). In summary, although additional studies are required to fully establish its clinical significance, this variant meets criteria to be classified as likely pathogenic for autosomal dominant EDS. ACMG/AMP Criteria applied: PVS1, PM2.

Literature cited by the submitters: PubMed 24922459 (cited by Labcorp Genetics (formerly Invitae), Labcorp); PubMed 30474650 (cited by 4 submitters); PubMed 31141158 (cited by 4 submitters); PubMed 33087929 (cited by Mayo Clinic Laboratories, Mayo Clinic); PubMed 36977837 (cited by Color Diagnostics, LLC DBA Color Health).